The following is an entry in ClinVar:

ClinVar aggregate classification (germline): Pathogenic (1 of 4 stars; one submission).

Conditions:
Osteogenesis imperfecta type I (OI1). Also called: OI, TYPE I; OSTEOGENESIS IMPERFECTA TARDA; OSTEOGENESIS IMPERFECTA WITH BLUE SCLERAE; Osteogenesis imperfecta type 1; Lobstein's Disease; Lobstein disease. Identifiers: Orphanet 216796, Orphanet 666, MedGen C0023931, MONDO:0008146, OMIM 166200. Disease mechanism: loss of function.

Submission:

Labcorp Genetics (formerly Invitae), Labcorp
Classification: Pathogenic for Osteogenesis imperfecta type I. Last evaluated: 2025-01-24. Review status: criteria provided, single submitter. Criteria: Invitae Variant Classification Sherloc (09022015). Collection method: clinical testing. Allele origin: germline.
Comment: This sequence change replaces glycine, which is neutral and non-polar, with arginine, which is basic and polar, at codon 341 of the COL1A1 protein (p.Gly341Arg). This variant is not present in population databases (gnomAD no frequency). This missense change has been observed in individual(s) with Osteogenesis imperfecta (PMID: 26627451). Invitae Evidence Modeling of protein sequence and biophysical properties (such as structural, functional, and spatial information, amino acid conservation, physicochemical variation, residue mobility, and thermodynamic stability) indicates that this missense variant is expected to disrupt COL1A1 protein function with a positive predictive value of 95%. This variant disrupts the triple helix domain of COL1A1. Glycine residues within the Gly-Xaa-Yaa repeats of the triple helix domain are required for the structure and stability of fibrillar collagens (PMID: 7695699, 8218237, 19344236). In COL1A1, variants affecting these glycine residues are significantly enriched in individuals with disease (PMID: 9016532, 17078022) compared to the general population (ExAC). For these reasons, this variant has been classified as Pathogenic.

Literature cited by the submitters: PubMed 26627451; PubMed 7695699; PubMed 8218237; PubMed 19344236; PubMed 9016532; PubMed 17078022.

NM_000088.4(COL1A1):c.1021G>C (p.Gly341Arg)

Gene: COL1A1 (collagen type I alpha 1 chain; minus strand). Cytogenetic location: 17q21.33.
Variant type: single nucleotide variant.
Coding change: c.1021G>C on transcript NM_000088.4 (MANE Select); coding-DNA position 1021, G replaced by C.
Protein change: p.Gly341Arg; replaces glycine 341 with arginine.
Molecular consequence: missense variant.
Genome position (GRCh38, 1-based): chr17:50,195,958, C>G on the plus strand (G>C on the coding strand, the complement: COL1A1 is on the minus strand). VCF-style: chr17-50195958-C-G. GRCh37 (hg19) VCF-style: chr17-48273319-C-G.
Other names: short protein forms G341R.
Identifiers: ClinVar variation 3722885 (VCV003722885.2).